The following is an entry in ClinVar:

ClinVar aggregate classification (germline): Uncertain significance. Review status: criteria provided, multiple submitters, no conflicts (2 of 4 stars). 2 submissions from 2 submitters: Uncertain significance (2). Last evaluated 2024-03-25.

Conditions:
Hyperinsulinemic hypoglycemia, familial, 2. Also called: HYPERINSULINEMIC HYPOGLYCEMIA, PERSISTENT; HYPERINSULINISM, NEONATAL. Identifiers: Orphanet 276580, Orphanet 276603, MedGen C2931833, MONDO:0011153, OMIM 601820. Disease mechanism: loss of function.
Diabetes mellitus, permanent neonatal 2. Also called: KCNJ11-Related Permanent Neonatal Diabetes Mellitus. Identifiers: MedGen C5394296, MONDO:0030087, OMIM 618856.
Diabetes mellitus, transient neonatal, 3 (TNDM3). Identifiers: Orphanet 99886, MedGen C1864623, MONDO:0012522, OMIM 610582. Disease mechanism: loss of function.
Maturity-onset diabetes of the young type 13. Also called: MODY, TYPE 13. Identifiers: Orphanet 552, MedGen C4225365, MONDO:0014589, OMIM 616329.
Type 2 diabetes mellitus. Also called: Type II diabetes mellitus. Identifiers: MedGen C0011860, MeSH D003924, MONDO:0005148, OMIM 125853, HP:0005978.

Allele frequency attached by ClinVar (database versions not stated): gnomAD exomes 0.00001; ExAC 0.00002; gnomAD 0.00002; TOPMed 0.00002; ESP Exome Variant Server 0.00008.
gnomAD v4.1: 19 of 1,613,680 alleles (0.0012%); highest among the groups gnomAD compares: African/African-American, 0.004%; no homozygotes.

Submissions (2):

Fulgent Genetics
Classification: Uncertain significance for Type 2 diabetes mellitus; Hyperinsulinemic hypoglycemia, familial, 2; Diabetes mellitus, transient neonatal, 3; Maturity-onset diabetes of the young type 13; Diabetes mellitus, permanent neonatal 2. Last evaluated: 2024-03-25. Review status: criteria provided, single submitter. Criteria: ACMG Guidelines, 2015. Collection method: clinical testing. Allele origin: germline.

Labcorp Genetics (formerly Invitae), Labcorp
Classification: Uncertain significance. Last evaluated: 2022-02-28. Review status: criteria provided, single submitter. Criteria: Invitae Variant Classification Sherloc (09022015). Collection method: clinical testing. Allele origin: germline.
Comment: This sequence change replaces glycine, which is neutral and non-polar, with arginine, which is basic and polar, at codon 366 of the KCNJ11 protein (p.Gly366Arg). This variant is present in population databases (rs149141985, gnomAD 0.008%). This missense change has been observed in individual(s) with clinical features of KCNJ11-related conditions (PMID: 32202736). Algorithms developed to predict the effect of missense changes on protein structure and function are either unavailable or do not agree on the potential impact of this missense change (SIFT: "Deleterious"; PolyPhen-2: "Benign"; Align-GVGD: "Class C15"). In summary, the available evidence is currently insufficient to determine the role of this variant in disease. Therefore, it has been classified as a Variant of Uncertain Significance.

Literature cited by the submitters: PubMed 32202736 (cited by Labcorp Genetics (formerly Invitae), Labcorp).

NM_000525.4(KCNJ11):c.1096G>A (p.Gly366Arg)

Gene: KCNJ11 (potassium inwardly rectifying channel subfamily J member 11; minus strand). Cytogenetic location: 11p15.1.
Variant type: single nucleotide variant.
Coding change: c.1096G>A on transcript NM_000525.4 (MANE Select); coding-DNA position 1096, G replaced by A.
Protein change: p.Gly366Arg; replaces glycine 366 with arginine.
Molecular consequence: missense variant.
Genome position (GRCh38, 1-based): chr11:17,386,996, C>T on the plus strand (G>A on the coding strand, the complement: KCNJ11 is on the minus strand). VCF-style: chr11-17386996-C-T. GRCh37 (hg19) VCF-style: chr11-17408543-C-T.
Other names: c.835G>A, p.Gly279Arg (NM_001166290.2, NM_001377296.1, NM_001377297.1); short protein forms G366R, G279R.
Identifiers: ClinVar variation 2046522 (VCV002046522.2), dbSNP rs149141985, ClinGen allele CA5902183.
Genomic context (GRCh38, chr11:17,386,996, plus strand): 5'-GAGAGATGCTGAACTTGGGCTTGGCCTTGGCCATGGGCACGCTGCGCTTGCGCAGGGGCC[C>T]GCGGGCTGAGGCGAGGGTCAGAGCTTCCAGTAGGCTGTGGTCCTCATCAAGCTGGCGGGC-3'
Protein context (NP_000516.3, residues 356-376): LEALTLASAR[Gly366Arg]PLRKRSVPMA